The following is an entry in ClinVar:

ClinVar aggregate classification (germline): Likely pathogenic (1 of 4 stars; one submission).

Conditions:
Congenital hyperammonemia, type I. Also called: Carbamoyl-phosphate synthase I deficiency; CPS I DEFICIENCY; Carbamoyl phosphate synthetase I deficiency disease; Carbamoyl phosphate synthetase 1 deficiency; Hyperammonemia due to carbamoyl phosphate synthetase 1 deficiency; CPS 1 deficiency. Identifiers: Orphanet 147, MedGen C4082171, MONDO:0009376, OMIM 237300.

Submission:

Labcorp Genetics (formerly Invitae), Labcorp
Classification: Likely pathogenic for Congenital hyperammonemia, type I. Last evaluated: 2024-04-08. Review status: criteria provided, single submitter. Criteria: Invitae Variant Classification Sherloc (09022015). Collection method: clinical testing. Allele origin: germline.
Comment: This sequence change affects a splice site in intron 30 of the CPS1 gene. It is expected to disrupt RNA splicing. Variants that disrupt the donor or acceptor splice site typically lead to a loss of protein function (PMID: 16199547), and loss-of-function variants in CPS1 are known to be pathogenic (PMID: 21120950). This variant is not present in population databases (gnomAD no frequency). This variant has not been reported in the literature in individuals affected with CPS1-related conditions. Algorithms developed to predict the effect of sequence changes on RNA splicing suggest that this variant may disrupt the consensus splice site. In summary, the currently available evidence indicates that the variant is pathogenic, but additional data are needed to prove that conclusively. Therefore, this variant has been classified as Likely Pathogenic.

Literature cited by the submitters: PubMed 16199547; PubMed 21120950.

NM_001875.5(CPS1):c.3666+2del

Gene: CPS1 (carbamoyl-phosphate synthase 1; plus strand). Cytogenetic location: 2q34.
Variant type: Deletion.
Coding change: c.3666+2del on transcript NM_001875.5 (MANE Select); the canonical splice donor site of the intron after coding-DNA position 3666, one base deleted (T; older notation c.3666+2delT).
Molecular consequence: splice donor variant.
Genome position (GRCh38, 1-based): chr2:210,656,634, T deleted. VCF-style (leftmost placement, unchanged base first): chr2-210656633-GT-G. GRCh37 (hg19) VCF-style: chr2-211521357-GT-G.
Other names: c.3666+2del (NM_001369257.1, NM_001122633.3); c.3699+2del (NM_001369256.1).
Identifiers: ClinVar variation 2737940 (VCV002737940.3), dbSNP rs2469319058, ClinGen allele CA2697550363.